The following is an entry in ClinVar:

ClinVar aggregate classification (germline): Uncertain significance (1 of 4 stars; one submission).

Submission:

Labcorp Genetics (formerly Invitae), Labcorp
Classification: Uncertain significance. Last evaluated: 2025-12-22. Review status: criteria provided, single submitter. Criteria: Invitae Variant Classification Sherloc (09022015). Collection method: clinical testing. Allele origin: germline.
Comment: This variant, c.491_493del, results in the deletion of 1 amino acid(s) of the KMT2B protein (p.Pro164del), but otherwise preserves the integrity of the reading frame. This variant is present in population databases (rs775454703, gnomAD 0.01%). This variant has not been reported in the literature in individuals affected with KMT2B-related conditions. Experimental studies and prediction algorithms are not available or were not evaluated, and the functional significance of this variant is currently unknown. In summary, the available evidence is currently insufficient to determine the role of this variant in disease. Therefore, it has been classified as a Variant of Uncertain Significance.

NM_014727.3(KMT2B):c.485CTC[2] (p.Pro164del)

Gene: KMT2B (lysine methyltransferase 2B; plus strand). Cytogenetic location: 19q13.12.
Variant type: Microsatellite.
Coding change: c.485CTC[2] on transcript NM_014727.3 (MANE Select); two copies in a row of the 3-base unit CTC starting at c.485; the reference has three copies in a row; one copy, 3 bases deleted.
Protein change: p.Pro164del; deletes proline 164.
Molecular consequence: inframe deletion.
Genome position (GRCh38, 1-based): chr19:35,719,838-35,719,840, CTC deleted; deleting any 3 consecutive bases within chr19:35,719,830-35,719,840 gives the same sequence; the position shown is the placement nearest the transcript's 3' end. VCF-style (leftmost placement, unchanged base first): chr19-35719829-TTCC-T. GRCh37 (hg19) VCF-style: chr19-36210731-TTCC-T.
Other names: short protein forms P164del.
Identifiers: ClinVar variation 4711979 (VCV004711979.1).